The following is an entry in ClinVar:

NM_024996.7(GFM1):c.1440del (p.Phe480fs)

Gene: GFM1 (G elongation factor mitochondrial 1; plus strand). Cytogenetic location: 3q25.32.
Variant type: Deletion.
Coding change: c.1440del on transcript NM_024996.7 (MANE Select); coding-DNA position 1440, one base deleted (T; older notation c.1440delT).
Protein change: p.Phe480fs; shifts the reading frame from phenylalanine 480.
Molecular consequence: frameshift variant. On other transcripts: non-coding transcript variant (4).
Genome position (GRCh38, 1-based): chr3:158,665,396, T deleted; the last of 3 consecutive T bases (chr3:158,665,394-158,665,396); deleting any one gives the same sequence. VCF-style (leftmost placement, unchanged base first): chr3-158665393-AT-A. GRCh37 (hg19) VCF-style: chr3-158383182-AT-A.
Other names: c.1497del, p.Phe499fs (NM_001308164.2); c.1440del, p.Phe480fs (NM_001308166.2); c.1359del, p.Phe453fs (NM_001374355.1); c.1323del, p.Phe441fs (NM_001374356.1); c.1215del, p.Phe405fs (NM_001374357.1); c.981del, p.Phe327fs (NM_001374358.1); c.873del, p.Phe291fs (NM_001374359.1, NM_001374360.1); c.756del, p.Phe252fs (NM_001374361.1); short protein forms F252fs, F291fs, F327fs, F405fs, F441fs, F453fs, F480fs, F499fs.
Identifiers: ClinVar variation 4816181 (VCV004816181.1).
Genomic context (GRCh38, chr3:158,665,393, plus strand): 5'-AAAGAACGATCTGGAAAAATTTTCAAAAGGTATTGGCAGGTTTACAAGAGAAGATCCCAC[AT>A]TTAAAGTATACTTTGACACTGAGAACAAAGAGACAGTTATATCTGGAATGGGAGAATTAC-3'

ClinVar aggregate classification (germline): Likely pathogenic (1 of 4 stars; one submission).

Conditions:
Hepatoencephalopathy due to combined oxidative phosphorylation defect type 1. Also called: HEPATOENCEPHALOPATHY, EARLY FATAL PROGRESSIVE. Identifiers: Orphanet 137681, MedGen C1836797, MONDO:0012191, OMIM 609060.

Submission:

Natera, Inc.
Classification: Likely pathogenic for Combined oxidative phosphorylation deficiency 1. Last evaluated: 2025-10-16. Review status: criteria provided, single submitter. Criteria: Natera Variant Classification Schema (03/2026). Collection method: clinical testing. Allele origin: germline.
Comment: The c.1440del variant in GFM1 is a frameshift variant predicted to shift the reading frame beginning at codon 480 and leads to a stop codon 73 codons downstream. This variant is expected to result in nonsense mediated decay, truncation, or a dysfunctional protein product. This variant is rare in the general population with a frequency below the threshold expected for the associated phenotype(s). Given the available evidence, this variant is classified as Likely Pathogenic.